The following is an entry in ClinVar:

NM_003764.4(STX11):c.546G>A (p.Glu182=)

Gene: STX11 (syntaxin 11; plus strand). Cytogenetic location: 6q24.2.
Variant type: single nucleotide variant.
Coding change: c.546G>A on transcript NM_003764.4 (MANE Select); coding-DNA position 546, G replaced by A.
Protein change: p.Glu182=; no amino-acid change (glutamic acid 182 retained).
Molecular consequence: synonymous variant.
Genome position (GRCh38, 1-based): chr6:144,187,173, G>A. VCF-style: chr6-144187173-G-A. GRCh37 (hg19) VCF-style: chr6-144508310-G-A.
Other names: p.Glu182=; c.546G>A (LRG_113t1).
Identifiers: ClinVar variation 259162 (VCV000259162.47), dbSNP rs146949718, ClinGen allele CA4031727.

ClinVar aggregate classification (germline): Benign/Likely benign. Review status: criteria provided, multiple submitters, no conflicts (2 of 4 stars). 9 submissions from 9 submitters: Benign (4); Likely benign (3). 2 of the submissions do not count toward it. Last evaluated 2026-02-04.

Conditions:
Autoinflammatory syndrome. Identifiers: Orphanet 93665, MedGen C3890737, MONDO:0019751.
Familial hemophagocytic lymphohistiocytosis 4 (FHL4). Also called: STX11-Related Familial Hemophagocytic Lymphohistiocytosis (STX11-fHLH). Identifiers: Orphanet 540, MedGen C1863728, MONDO:0011336, OMIM 603552.

Allele frequency attached by ClinVar (database versions not stated): ESP Exome Variant Server 0.00231; gnomAD exomes 0.00262 and 0.00403; gnomAD 0.00266 and 0.00274; TOPMed 0.00301; 1000 Genomes Project 30x 0.00375; 1000 Genomes Project 0.00379; ExAC 0.00416.
gnomAD v4.1: 4,409 of 1,613,996 alleles (0.27%); highest among the groups gnomAD compares: Middle Eastern, 2.1%; 36 homozygotes.

Submissions (9):

Labcorp Genetics (formerly Invitae), Labcorp
Classification: Benign for Familial hemophagocytic lymphohistiocytosis 4. Last evaluated: 2026-02-04. Review status: criteria provided, single submitter. Criteria: Invitae Variant Classification Sherloc (09022015). Collection method: clinical testing. Allele origin: germline.

CeGaT Center for Human Genetics Tuebingen
Classification: Benign. Last evaluated: 2025-11-01. Review status: criteria provided, single submitter. Criteria: CeGaT Center For Human Genetics Tuebingen Variant Classification Criteria Version 2. Collection method: clinical testing. Allele origin: germline. Affected: yes. Observed: 2 variant alleles.
Comment: STX11: BP4, BP7, BS1, BS2

Mayo Clinic Laboratories, Mayo Clinic
Classification: Benign. Last evaluated: 2025-02-24. Review status: criteria provided, single submitter. Criteria: ACMG Guidelines, 2015. Collection method: clinical testing. Allele origin: germline. Observed: 5 variant alleles.
Comment: BS1, BS2, BP4, BP7

Genome Diagnostics Laboratory, The Hospital for Sick Children
Classification: Benign for Autoinflammatory syndrome. Last evaluated: 2020-04-01. Review status: criteria provided, single submitter. Criteria: ACMG Guidelines, 2015. Collection method: clinical testing. Allele origin: germline. Affected: yes.

Illumina Laboratory Services, Illumina
Classification: Likely benign for Familial hemophagocytic lymphohistiocytosis 4. Last evaluated: 2018-01-12. Review status: criteria provided, single submitter. Criteria: ICSL Variant Classification Criteria 13 December 2019. Collection method: clinical testing. Allele origin: germline.
Comment: This variant was observed in the ICSL laboratory as part of a predisposition screen in an ostensibly healthy population. It had not been previously curated by ICSL or reported in the Human Gene Mutation Database (HGMD: prior to June 1st, 2018), and was therefore a candidate for classification through an automated scoring system. Utilizing variant allele frequency, disease prevalence and penetrance estimates, and inheritance mode, an automated score was calculated to assess if this variant is too frequent to cause the disease. Based on the score and internal cut-off values, a variant classified as likely benign is not then subjected to further curation. The score for this variant resulted in a classification of likely benign for this disease.

Breakthrough Genomics
Classification: Likely benign. Review status: criteria provided, single submitter. Criteria: ACMG Guidelines, 2015. Collection method: not provided. Allele origin: germline. Inheritance: Autosomal recessive inheritance. Affected: yes.

PreventionGenetics, part of Exact Sciences
Classification: Likely benign. Review status: criteria provided, single submitter. Criteria: ACMG Guidelines, 2015. Collection method: clinical testing. Allele origin: germline.

Clinical Genetics DNA and cytogenetics Diagnostics Lab, Erasmus MC, Erasmus Medical Center
Classification: Benign. Review status: no assertion criteria provided. Collection method: clinical testing. Allele origin: germline. Affected: yes. Study: VKGL Data-share Consensus. Not counted in ClinVar's aggregate classification.

Genome Diagnostics Laboratory, University Medical Center Utrecht
Classification: Likely benign. Review status: no assertion criteria provided. Collection method: clinical testing. Allele origin: germline. Affected: yes. Study: VKGL Data-share Consensus. Not counted in ClinVar's aggregate classification.